The following is an entry in ClinVar:

ClinVar aggregate classification (germline): Uncertain significance. Review status: criteria provided, multiple submitters, no conflicts (2 of 4 stars). 2 submissions from 2 submitters: Uncertain significance (2). Last evaluated 2023-06-10.

Conditions:
Progressive microcephaly-seizures-cortical blindness-developmental delay syndrome. Also called: Seizures, cortical blindness, and microcephaly syndrome. Identifiers: Orphanet 477814, MedGen C5567650, MONDO:0014714, OMIM 616632.
Autosomal dominant nonsyndromic hearing loss 1. Also called: KONIGSMARK SYNDROME; DEAFNESS, AUTOSOMAL DOMINANT 1, WITH OR WITHOUT THROMBOCYTOPENIA. Identifiers: Orphanet 90635, MedGen C1852282, MONDO:0007424, OMIM 124900.

Allele frequency attached by ClinVar (database versions not stated): gnomAD exomes below 0.00001; TOPMed 0.00001.
gnomAD v4.1: 2 of 1,614,118 alleles (0.00012%); highest among the groups gnomAD compares: Admixed American, 0.0017%; no homozygotes.

Submissions (2):

Labcorp Genetics (formerly Invitae), Labcorp
Classification: Uncertain significance for Progressive microcephaly-seizures-cortical blindness-developmental delay syndrome; Autosomal dominant nonsyndromic hearing loss 1. Last evaluated: 2023-06-10. Review status: criteria provided, single submitter. Criteria: Invitae Variant Classification Sherloc (09022015). Collection method: clinical testing. Allele origin: germline.
Comment: In summary, the available evidence is currently insufficient to determine the role of this variant in disease. Therefore, it has been classified as a Variant of Uncertain Significance. Experimental studies and prediction algorithms are not available or were not evaluated, and the functional significance of this variant is currently unknown. This sequence change replaces valine, which is neutral and non-polar, with methionine, which is neutral and non-polar, at codon 180 of the DIAPH1 protein (p.Val180Met). This variant is present in population databases (no rsID available, gnomAD 0.003%). This variant has not been reported in the literature in individuals affected with DIAPH1-related conditions. ClinVar contains an entry for this variant (Variation ID: 1313813).

GeneDx
Classification: Uncertain significance. Last evaluated: 2021-01-05. Review status: criteria provided, single submitter. Criteria: GeneDx Variant Classification Process June 2021. Collection method: clinical testing. Allele origin: germline. Affected: yes.
Comment: Not observed at a significant frequency in large population cohorts (Lek et al., 2016); In silico analysis supports that this missense variant has a deleterious effect on protein structure/function; Has not been previously published as pathogenic or benign to our knowledge

NM_005219.5(DIAPH1):c.538G>A (p.Val180Met)

Gene: DIAPH1 (diaphanous related formin 1; minus strand). Cytogenetic location: 5q31.3.
Variant type: single nucleotide variant.
Coding change: c.538G>A on transcript NM_005219.5 (MANE Select); coding-DNA position 538, G replaced by A.
Protein change: p.Val180Met; replaces valine 180 with methionine.
Molecular consequence: missense variant.
Genome position (GRCh38, 1-based): chr5:141,583,288, C>T on the plus strand (G>A on the coding strand, the complement: DIAPH1 is on the minus strand). VCF-style: chr5-141583288-C-T. GRCh37 (hg19) VCF-style: chr5-140962855-C-T.
Other names: c.511G>A, p.Val171Met (NM_001079812.3); c.538G>A, p.Val180Met (NM_001314007.2); short protein forms V180M, V171M.
Identifiers: ClinVar variation 1313813 (VCV001313813.6), dbSNP rs370495662, ClinGen allele CA361541183.